The following is an entry in ClinVar:

NM_004260.4(RECQL4):c.1241C>T (p.Ala414Val)

Gene: RECQL4 (RecQ like helicase 4; minus strand). Cytogenetic location: 8q24.3.
Variant type: single nucleotide variant.
Coding change: c.1241C>T on transcript NM_004260.4 (MANE Select); coding-DNA position 1241, C replaced by T.
Protein change: p.Ala414Val; replaces alanine 414 with valine.
Molecular consequence: missense variant. On other transcripts: non-coding transcript variant (3), intron variant (1), synonymous variant (5).
Genome position (GRCh38, 1-based): chr8:144,515,781, G>A on the plus strand (C>T on the coding strand, the complement: RECQL4 is on the minus strand). VCF-style: chr8-144515781-G-A. GRCh37 (hg19) VCF-style: chr8-145741165-G-A.
Other names: c.-210+207C>T (NM_001413043.1); c.1241C>T (NM_004260.3); c.108C>T, p.Ser36= (NM_001413031.1, NM_001413032.1, NM_001413027.1 and 2 more transcripts); c.1241C>T, p.Ala414Val (NM_001413033.1, NM_001413036.1, NM_001413039.1 and 2 more transcripts); c.170C>T, p.Ala57Val (NM_001413034.1, NM_001413035.1, NM_001413037.1 and 8 more transcripts); c.1145C>T, p.Ala382Val (NM_001413017.1, NM_001413020.1); c.1112C>T, p.Ala371Val (NM_001413025.1); c.890C>T, p.Ala297Val (NM_001413029.1); short protein forms A371V, A57V, A382V, A297V, A414V.
Identifiers: ClinVar variation 2823740 (VCV002823740.4), dbSNP rs2538072126, ClinGen allele CA372687283.
Genomic context (GRCh38, chr8:144,515,781, plus strand): 5'-CCACAGTGTTGGCCGGACCCACCCTCCAGGGCAGATGTCTCACCTGGCCGGGGACACTGG[G>A]CTGCCCAGTGATCGAACTGCTCGTTCAGGAAACAAGACTCCTTGGTTGTGACTGTGGCAC-3'
Protein context (NP_004251.4, residues 404-424): FLNEQFDHWA[Ala414Val]QCPRPASEED

ClinVar aggregate classification (germline): Uncertain significance. Review status: criteria provided, multiple submitters, no conflicts (2 of 4 stars). 2 submissions from 2 submitters: Uncertain significance (2). Last evaluated 2025-05-02.

Conditions:
Baller-Gerold syndrome (BGS). Also called: CRANIOSYNOSTOSIS WITH RADIAL DEFECTS. Identifiers: Orphanet 1225, MedGen C0265308, MONDO:0009039, OMIM 218600.
Inborn genetic diseases. Identifiers: MedGen C0950123, MeSH D030342.

Submissions (2):

Ambry Genetics
Classification: Uncertain significance for Inborn genetic diseases. Last evaluated: 2025-05-02. Review status: criteria provided, single submitter. Criteria: Ambry Variant Classification Scheme 2023. Collection method: clinical testing. Allele origin: germline.
Comment: The p.A414V variant (also known as c.1241C>T), located in coding exon 6 of the RECQL4 gene, results from a C to T substitution at nucleotide position 1241. The alanine at codon 414 is replaced by valine, an amino acid with similar properties. This amino acid position is conserved. In addition, this alteration is predicted to be tolerated by in silico analysis. Based on the available evidence, the clinical significance of this variant remains unclear.

Labcorp Genetics (formerly Invitae), Labcorp
Classification: Uncertain significance for Baller-Gerold syndrome. Last evaluated: 2023-10-13. Review status: criteria provided, single submitter. Criteria: Invitae Variant Classification Sherloc (09022015). Collection method: clinical testing. Allele origin: germline.
Comment: This sequence change replaces alanine, which is neutral and non-polar, with valine, which is neutral and non-polar, at codon 414 of the RECQL4 protein (p.Ala414Val). This variant is not present in population databases (gnomAD no frequency). This variant has not been reported in the literature in individuals affected with RECQL4-related conditions. Advanced modeling of protein sequence and biophysical properties (such as structural, functional, and spatial information, amino acid conservation, physicochemical variation, residue mobility, and thermodynamic stability) performed at Invitae indicates that this missense variant is not expected to disrupt RECQL4 protein function. In summary, the available evidence is currently insufficient to determine the role of this variant in disease. Therefore, it has been classified as a Variant of Uncertain Significance.